The following is an entry in ClinVar:

NM_213649.2(SFXN4):c.731A>G (p.Lys244Arg)

Gene: SFXN4 (sideroflexin 4; minus strand). Cytogenetic location: 10q26.11.
Variant type: single nucleotide variant.
Coding change: c.731A>G on transcript NM_213649.2 (MANE Select); coding-DNA position 731, A replaced by G.
Protein change: p.Lys244Arg; replaces lysine 244 with arginine.
Molecular consequence: missense variant. On other transcripts: non-coding transcript variant (1).
Genome position (GRCh38, 1-based): chr10:119,155,063, T>C on the plus strand (A>G on the coding strand, the complement: SFXN4 is on the minus strand). VCF-style: chr10-119155063-T-C. GRCh37 (hg19) VCF-style: chr10-120914575-T-C.
Other names: c.731A>G, p.Lys244Arg (NM_213650.1); short protein forms K244R.
Identifiers: ClinVar variation 1946505 (VCV001946505.6), dbSNP rs748109187, ClinGen allele CA5714425.

ClinVar aggregate classification (germline): Uncertain significance (1 of 4 stars; one submission).

Allele frequency attached by ClinVar (database versions not stated): TOPMed below 0.00001; gnomAD 0.00002.
gnomAD v4.1: 6 of 1,610,410 alleles (0.00037%); highest among the groups gnomAD compares: Admixed American, 0.0033%; 1 homozygote.

Submissions (2):

Labcorp Genetics (formerly Invitae), Labcorp
Classification: Uncertain significance. Last evaluated: 2022-06-15. Review status: criteria provided, single submitter. Criteria: Invitae Variant Classification Sherloc (09022015). Collection method: clinical testing. Allele origin: germline.
Comment: In summary, the available evidence is currently insufficient to determine the role of this variant in disease. Therefore, it has been classified as a Variant of Uncertain Significance. Algorithms developed to predict the effect of missense changes on protein structure and function (SIFT, PolyPhen-2, Align-GVGD) all suggest that this variant is likely to be disruptive. This variant has not been reported in the literature in individuals affected with SFXN4-related conditions. This variant is present in population databases (rs748109187, gnomAD 0.0008%). This sequence change replaces lysine, which is basic and polar, with arginine, which is basic and polar, at codon 244 of the SFXN4 protein (p.Lys244Arg).

Dr. Peter K. Rogan Lab, Western University
No classification provided (evidence only). Condition: Adrenocortical carcinoma, hereditary. Review status: no classification provided. Collection method: in vitro. Allele origin: not applicable. Functional consequence: retained intron. Not counted in ClinVar's aggregate classification.